The following is an entry in ClinVar:

NM_001365951.3(KIF1B):c.3423-15A>T

Gene: KIF1B (kinesin family member 1B; plus strand). Cytogenetic location: 1p36.22.
Variant type: single nucleotide variant.
Coding change: c.3423-15A>T on transcript NM_001365951.3 (MANE Select); 15 bases into the intron before coding-DNA position 3423, A replaced by T.
Molecular consequence: intron variant.
Genome position (GRCh38, 1-based): chr1:10,339,754, A>T. VCF-style: chr1-10339754-A-T. GRCh37 (hg19) VCF-style: chr1-10399812-A-T.
Other names: NC_000001.10:g.10399812A>T; c.3285-15A>T (NM_015074.3); c.3423-15A>T (NM_001365952.1).
Identifiers: ClinVar variation 291569 (VCV000291569.10), dbSNP rs200470260, ClinGen allele CA581779.

ClinVar aggregate classification (germline): Conflicting classifications of pathogenicity. Review status: criteria provided, conflicting classifications (1 of 4 stars). 5 submissions from 5 submitters: Uncertain significance (1); Benign (3); Likely benign (1). Last evaluated 2025-07-08.

Conditions:
Charcot-Marie-Tooth disease. Also called: Charcot-Marie-Tooth Neuropathy; Charcot-Marie-Tooth Hereditary Neuropathy. Identifiers: Orphanet 166, MedGen C0007959, MONDO:0015626.
Hereditary cancer-predisposing syndrome. Also called: Hereditary neoplastic syndrome; Tumor predisposition; Hereditary Cancer Syndrome; Neoplastic Syndromes, Hereditary. Identifiers: Orphanet 140162, MedGen C0027672, MeSH D009386, MONDO:0015356.
Neuroblastoma (NB). Identifiers: Orphanet 635, MedGen C0027819, MeSH D009447, MONDO:0005072, HP:0003006.

Allele frequency attached by ClinVar (database versions not stated): gnomAD 0.00005; gnomAD exomes 0.00052; ExAC 0.00198.

Submissions (6):

Molecular Diagnostics Laboratory, Catalan Institute of Oncology
Classification: Uncertain significance for Hereditary cancer-predisposing syndrome. Last evaluated: 2025-07-08. Review status: criteria provided, single submitter. Criteria: ACMG Guidelines, 2015. Collection method: clinical testing. Allele origin: germline.
Comment: BP4 KIF1B c.3285-15A>T is an intronic variant located close to a canonical splice site. The SpliceAI algorithm predicts no significant impact on splicing (BP4). The variant allele was found in 133/263110 alleles, with a filtering allele frequency of 0.04% at 99% confidence, in the gnomAD v2.1.1 database (non-cancer data set). To our knowledge, neither relevant clinical data nor well-established functional studies have been reported for this variant. This variant has been reported in the ClinVar database (3x benign) but is not present in the LOVD database. Based on currently available information, c.3285-15A>T is classified as an uncertain significance variant according to ACMG guidelines.

Blueprint Genetics
Classification: Likely benign. Last evaluated: 2024-11-26. Review status: criteria provided, single submitter. Criteria: ACMG Guidelines, 2015. Collection method: clinical testing. Allele origin: germline.

Illumina Laboratory Services, Illumina
Classification: Benign for Neuroblastoma. Last evaluated: 2018-01-13. Review status: criteria provided, single submitter. Criteria: ICSL Variant Classification Criteria 13 December 2019. Collection method: clinical testing. Allele origin: germline.
Comment: This variant was observed in the ICSL laboratory as part of a predisposition screen in an ostensibly healthy population. It had not been previously curated by ICSL or reported in the Human Gene Mutation Database (HGMD: prior to June 1st, 2018), and was therefore a candidate for classification through an automated scoring system. Utilizing variant allele frequency, disease prevalence and penetrance estimates, and inheritance mode, an automated score was calculated to assess if this variant is too frequent to cause the disease. Based on the score and internal cut-off values, a variant classified as benign is not then subjected to further curation. The score for this variant resulted in a classification of benign for this disease.

Breakthrough Genomics
Classification: Benign. Review status: criteria provided, single submitter. Criteria: ACMG Guidelines, 2015. Collection method: not provided. Allele origin: germline. Inheritance: Autosomal dominant inheritance. Affected: yes.

Molecular Genetics Laboratory, London Health Sciences Centre
Classification: Benign for Charcot-Marie-Tooth disease. Review status: criteria provided, single submitter. Criteria: ACMG Guidelines, 2015. Collection method: clinical testing. Allele origin: germline. Affected: yes.

Dr. Peter K. Rogan Lab, Western University
No classification provided (evidence only). Condition: Malignant tumor of esophagus. Review status: no classification provided. Collection method: in vitro. Allele origin: not applicable. Functional consequence: retained intron. Not counted in ClinVar's aggregate classification.